The following is an entry in ClinVar:

ClinVar aggregate classification (germline): Uncertain significance (1 of 4 stars; one submission).

Conditions:
Familial adenomatous polyposis 2. Also called: MUTYH-associated polyposis; MUTYH-related attenuated familial adenomatous polyposis; MUTYH Polyposis; Adenomas, multiple colorectal; COLORECTAL ADENOMATOUS POLYPOSIS, AUTOSOMAL RECESSIVE; ADENOMAS, MULTIPLE COLORECTAL, AUTOSOMAL RECESSIVE. Identifiers: Orphanet 220460, Orphanet 247798, MedGen C3272841, MONDO:0012041, OMIM 608456.

Submission:

Labcorp Genetics (formerly Invitae), Labcorp
Classification: Uncertain significance for Familial adenomatous polyposis 2. Last evaluated: 2023-05-18. Review status: criteria provided, single submitter. Criteria: Invitae Variant Classification Sherloc (09022015). Collection method: clinical testing. Allele origin: germline.
Comment: Variants that disrupt the consensus splice site are a relatively common cause of aberrant splicing (PMID: 17576681, 9536098). Algorithms developed to predict the effect of sequence changes on RNA splicing suggest that this variant may disrupt the consensus splice site. In summary, the available evidence is currently insufficient to determine the role of this variant in disease. Therefore, it has been classified as a Variant of Uncertain Significance. This sequence change falls in intron 1 of the MUTYH gene. It does not directly change the encoded amino acid sequence of the MUTYH protein. It affects a nucleotide within the consensus splice site. This variant is not present in population databases (gnomAD no frequency). This variant has not been reported in the literature in individuals affected with MUTYH-related conditions.

Literature cited by the submitters: PubMed 17576681; PubMed 9536098.

NM_001128425.2(MUTYH):c.14_36+4dup

Genes: MUTYH (mutY DNA glycosylase; minus strand), TOE1 (target of EGR1, exonuclease; plus strand). Cytogenetic location: 1p34.1.
Variant type: Duplication.
Coding change: c.14_36+4dup on transcript NM_001128425.2 (MANE Plus Clinical); coding-DNA position 14 through 4 bases into the intron after coding-DNA position 36, 27 bases duplicated (TCTCCCGCCTGAGTCGTCTGTGGGTAC).
Molecular consequence: splice donor variant. On other transcripts: 5 prime UTR variant (3).
Genome position (GRCh38, 1-based): chr1:45,340,215-45,340,241, GTACCCACAGACGACTCAGGCGGGAGA duplicated on the plus strand (TCTCCCGCCTGAGTCGTCTGTGGGTAC on the coding strand, the reverse complement: MUTYH is on the minus strand). VCF-style (leftmost placement, unchanged base first): chr1-45340214-C-CGTACCCACAGACGACTCAGGCGGGAGA. GRCh37 (hg19) VCF-style: chr1-45805886-C-CGTACCCACAGACGACTCAGGCGGGAGA.
Other names: c.-38_-12dup (NM_025077.4); c.-45_-19dup (NM_001407070.1, NM_001407071.1); c.-25_-7+8dup (NM_001407072.1); c.-236_-214+4dup (NM_001350651.2); c.-241_-219+4dup (NM_001293192.2); c.-300_-278+4dup (NM_001350650.2); c.14_36+4dup (NM_001407073.1, NM_001293190.2, NM_001407069.1 and 1 more transcripts); c.-29_-7+4dup (NM_001048171.2).
Identifiers: ClinVar variation 2865447 (VCV002865447.3), dbSNP rs2524697119, ClinGen allele CA2739278108.